The following is an entry in ClinVar:

NM_014698.3(TMEM63A):c.1721G>A (p.Arg574Gln)

Gene: TMEM63A (transmembrane protein 63A; minus strand). Cytogenetic location: 1q42.12.
Variant type: single nucleotide variant.
Coding change: c.1721G>A on transcript NM_014698.3 (MANE Select); coding-DNA position 1721, G replaced by A.
Protein change: p.Arg574Gln; replaces arginine 574 with glutamine.
Molecular consequence: missense variant.
Genome position (GRCh38, 1-based): chr1:225,853,705, C>T on the plus strand (G>A on the coding strand, the complement: TMEM63A is on the minus strand). VCF-style: chr1-225853705-C-T. GRCh37 (hg19) VCF-style: chr1-226041406-C-T.
Other names: c.1721G>A (NM_014698.2); short protein forms R574Q.
Identifiers: ClinVar variation 3067495 (VCV003067495.22), dbSNP rs369519987, ClinGen allele CA1419043.

ClinVar aggregate classification (germline): Likely benign. Review status: criteria provided, multiple submitters, no conflicts (2 of 4 stars). 2 submissions from 2 submitters: Likely benign (2). Last evaluated 2024-03-01.

Conditions:
Inborn genetic diseases. Identifiers: MedGen C0950123, MeSH D030342.

Allele frequency attached by ClinVar (database versions not stated): gnomAD 0.00011; TOPMed 0.00014; ESP Exome Variant Server 0.00015; ExAC 0.00016.
gnomAD v4.1: 252 of 1,594,274 alleles (0.016%); highest among the groups gnomAD compares: Non-Finnish European, 0.018%; no homozygotes.

Submissions (2):

CeGaT Center for Human Genetics Tuebingen
Classification: Likely benign. Last evaluated: 2024-03-01. Review status: criteria provided, single submitter. Criteria: CeGaT Center For Human Genetics Tuebingen Variant Classification Criteria Version 2. Collection method: clinical testing. Allele origin: germline. Affected: yes. Observed: 1 variant allele.
Comment: TMEM63A: BP4

Ambry Genetics
Classification: Likely benign for Inborn genetic diseases. Last evaluated: 2024-02-05. Review status: criteria provided, single submitter. Criteria: Ambry Variant Classification Scheme 2023. Collection method: clinical testing. Allele origin: germline.